The following is an entry in ClinVar:

ClinVar aggregate classification (germline): Likely pathogenic (1 of 4 stars; one submission).

Conditions:
Anemia, nonspherocytic hemolytic, due to G6PD deficiency (CNSHA1). Also called: Hemolytic anemia due to G6PD deficiency; Class I glucose-6-phosphate dehydrogenase deficiency; Favism, susceptibility to; ANEMIA, CONGENITAL, NONSPHEROCYTIC HEMOLYTIC, 1. Identifiers: Orphanet 466026, MedGen C2720289, MONDO:0010480, OMIM 300908.

Submission:

Dunham Lab, University of Washington
Classification: Likely pathogenic for Anemia, nonspherocytic hemolytic, due to G6PD deficiency. Last evaluated: 2022-08-12. Review status: criteria provided, single submitter. Criteria: Bayesian ACMG Guidelines, 2018. Collection method: curation. Allele origin: unknown. Affected: yes.
Comment: Variant found in unrelated hemizygotes with G6PD deficiency and CNSHA (PS4_M, PP4). Decreased activity in red blood cells (0-1%) (PS3). Not observed in gnomAD (PM2). Post_P 0.988 (odds of pathogenicity 729.3, Prior_P 0.1).

Literature cited by the submitters: PubMed 7858267; PubMed 7803800.

NM_001360016.2(G6PD):c.820G>A (p.Glu274Lys)

Gene: G6PD (glucose-6-phosphate dehydrogenase; minus strand). Cytogenetic location: Xq28.
Variant type: single nucleotide variant.
Coding change: c.820G>A on transcript NM_001360016.2 (MANE Select); coding-DNA position 820, G replaced by A.
Protein change: p.Glu274Lys; replaces glutamic acid 274 with lysine.
Molecular consequence: missense variant.
Genome position (GRCh38, 1-based): chrX:154,533,620, C>T on the plus strand (G>A on the coding strand, the complement: G6PD is on the minus strand). VCF-style: chrX-154533620-C-T. GRCh37 (hg19) VCF-style: chrX-153761835-C-T.
Other names: G6PD Cleveland; G6PD Corum; c.910G>A, p.Glu304Lys (NM_000402.4); c.820G>A, p.Glu274Lys (NM_001042351.3); short protein forms E274K, E304K.
Identifiers: ClinVar variation 1722760 (VCV001722760.2), dbSNP rs2523265511, ClinGen allele CA415235233.
Genomic context (GRCh38, chrX:154,533,620, plus strand): 5'-GGGGTGCACCCCCTACCTTCTCATCACGGACGTCATCTGAGTTGGTGGAGGCGGGCTTCT[C>T]CATGGCCACCAGACACAGCATCTGCAGTAGGTGGTTCTGCATCACGTCCCTGGGGACGGA-3'
Protein context (NP_001346945.1, residues 264-284): LLQMLCLVAM[Glu274Lys]KPASTNSDDV